The following is an entry in ClinVar:

ClinVar aggregate classification (germline): Pathogenic. Review status: criteria provided, single submitter (1 of 4 stars). 3 submissions from 3 submitters: Pathogenic (1). 2 of the submissions do not count toward it. Last evaluated 2022-04-15.

Conditions:
Alkaptonuria (AKU). Also called: Homogentisic acidura; Alkaptonuric ochronosis; HOMOGENTISIC ACID OXIDASE DEFICIENCY; Alcaptonuria. Identifiers: Orphanet 56, MedGen C0002066, MONDO:0008753, OMIM 203500.

Submissions (3):

Labcorp Genetics (formerly Invitae), Labcorp
Classification: Pathogenic for Alkaptonuria. Last evaluated: 2022-04-15. Review status: criteria provided, single submitter. Criteria: Invitae Variant Classification Sherloc (09022015). Collection method: clinical testing. Allele origin: germline.
Comment: This variant is not present in population databases (gnomAD no frequency). This sequence change creates a premature translational stop signal (p.Trp60*) in the HGD gene. It is expected to result in an absent or disrupted protein product. Loss-of-function variants in HGD are known to be pathogenic (PMID: 12501223, 19862842). For these reasons, this variant has been classified as Pathogenic. ClinVar contains an entry for this variant (Variation ID: 370411). This premature translational stop signal has been observed in individual(s) with alkaptonuria (PMID: 23430897).

Counsyl
Classification: Likely pathogenic for Alkaptonuria. Last evaluated: 2016-02-02. Review status: no assertion criteria provided. Collection method: clinical testing. Allele origin: unknown. Not counted in ClinVar's aggregate classification.

Department Of Human Genetics, Institute Of Clinical And Translational Research, Biomedical Research Center, Slovak Academy Of Sciences
Classification: Pathogenic for Alkaptonuria. Review status: no assertion criteria provided. Collection method: research. Allele origin: germline. Inheritance: Autosomal recessive inheritance. Affected: yes. Observed: 2 variant alleles. Not counted in ClinVar's aggregate classification.
Comment: The variant was originally described in AKU patient in PMID:23430897. It has been submitted to the HGD gene mutation database (DB-ID: AKU_00017).

Literature cited by the submitters: PubMed 12501223 (cited by Labcorp Genetics (formerly Invitae), Labcorp); PubMed 19862842 (cited by Labcorp Genetics (formerly Invitae), Labcorp); PubMed 23430897 (cited by 3 submitters).

NM_000187.4(HGD):c.179G>A (p.Trp60Ter)

Gene: HGD (homogentisate 1,2-dioxygenase; minus strand). Cytogenetic location: 3q13.33.
Variant type: single nucleotide variant.
Coding change: c.179G>A on transcript NM_000187.4 (MANE Select); coding-DNA position 179, G replaced by A.
Protein change: p.Trp60Ter; replaces tryptophan 60 with a stop codon.
Molecular consequence: nonsense.
Genome position (GRCh38, 1-based): chr3:120,670,530, C>T on the plus strand (G>A on the coding strand, the complement: HGD is on the minus strand). VCF-style: chr3-120670530-C-T. GRCh37 (hg19) VCF-style: chr3-120389377-C-T.
Other names: short protein forms W60*.
Identifiers: ClinVar variation 370411 (VCV000370411.9), dbSNP rs1057516467, ClinGen allele CA16040896.